The following is an entry in ClinVar:

ClinVar aggregate classification (germline): Conflicting classifications of pathogenicity. Review status: criteria provided, conflicting classifications (1 of 4 stars). 8 submissions from 8 submitters: Uncertain significance (5); Likely benign (1). 2 of the submissions do not count toward it. Last evaluated 2025-04-16.

Conditions:
Hereditary cancer-predisposing syndrome. Also called: Hereditary Cancer Syndrome; Neoplastic Syndromes, Hereditary; Hereditary neoplastic syndrome; Tumor predisposition. Identifiers: Orphanet 140162, MedGen C0027672, MeSH D009386, MONDO:0015356.
Hereditary breast ovarian cancer syndrome. Also called: Hereditary breast and ovarian cancer syndrome (HBOC); Breast and ovarian cancer; Hereditary breast and ovarian cancer syndrome; Hereditary breast and ovarian cancer; BRCA1- and BRCA2-Associated Hereditary Breast and Ovarian Cancer; Hereditary breast and/or ovarian cancer syndrome. Identifiers: Orphanet 145, MedGen C0677776, MeSH D061325, MONDO:0003582. Disease mechanism: loss of function.
Breast-ovarian cancer, familial, susceptibility to, 1 (BROVCA1). Also called: BRCA1 Hereditary Breast and Ovarian Cancer; OVARIAN CANCER, SUSCEPTIBILITY TO. Identifiers: Orphanet 145, MedGen C2676676, MONDO:0011450, OMIM 604370. Disease mechanism: loss of function.
Malignant tumor of breast. Also called: Malignant breast neoplasm; Cancer breast. Identifiers: MedGen C0006142, MONDO:0007254. Disease mechanism: loss of function.

gnomAD v4.1: 1 of 1,613,240 alleles (0.000062%); highest among the groups gnomAD compares: Non-Finnish European, 0.000085%; no homozygotes.

Submissions (8):

Labcorp Genetics (formerly Invitae), Labcorp
Classification: Uncertain significance for Hereditary breast ovarian cancer syndrome. Last evaluated: 2025-04-16. Review status: criteria provided, single submitter. Criteria: Invitae Variant Classification Sherloc (09022015). Collection method: clinical testing. Allele origin: germline.
Comment: This sequence change replaces threonine, which is neutral and polar, with proline, which is neutral and non-polar, at codon 248 of the BRCA1 protein (p.Thr248Pro). This variant is not present in population databases (gnomAD no frequency). This missense change has been observed in individual(s) with breast and/or ovarian cancer (PMID: 34178674). ClinVar contains an entry for this variant (Variation ID: 252390). Invitae Evidence Modeling of protein sequence and biophysical properties (such as structural, functional, and spatial information, amino acid conservation, physicochemical variation, residue mobility, and thermodynamic stability) indicates that this missense variant is not expected to disrupt BRCA1 protein function with a negative predictive value of 80%. In summary, the available evidence is currently insufficient to determine the role of this variant in disease. Therefore, it has been classified as a Variant of Uncertain Significance.

Ambry Genetics
Classification: Uncertain significance for Hereditary cancer-predisposing syndrome. Last evaluated: 2024-03-27. Review status: criteria provided, single submitter. Criteria: Ambry Variant Classification Scheme 2023. Collection method: clinical testing. Allele origin: germline.
Comment: The p.T248P variant (also known as c.742A>C), located in coding exon 9 of the BRCA1 gene, results from an A to C substitution at nucleotide position 742. The threonine at codon 248 is replaced by proline, an amino acid with highly similar properties. This variant was identified within a cohort of 874 unrelated Italian breast or ovarian cancer patients undergoing genetic testing based on suspicion for HBOC (Fanale D et al. Front Oncol, 2021 Jun;11:682445). This variant was also observed in 1/3251 individuals who met eligibility criteria for hereditary breast and ovarian cancer syndrome (Lerner-Ellis J et al. J Cancer Res Clin Oncol, 2021 Mar;147:871-879). This amino acid position is not well conserved in available vertebrate species. In addition, the in silico prediction for this alteration is inconclusive. Based on the available evidence, the clinical significance of this alteration remains unclear.

All of Us Research Program, National Institutes of Health
Classification: Uncertain significance for Breast-ovarian cancer, familial, susceptibility to, 1. Last evaluated: 2023-05-15. Review status: criteria provided, single submitter. Criteria: ACMG Guidelines, 2015. Collection method: clinical testing. Allele origin: germline. Inheritance: Autosomal dominant inheritance. Observed: 1 variant allele, 1 heterozygote.
Comment: This missense variant replaces threonine with proline at codon 248 of the BRCA1 protein. Computational prediction is inconclusive regarding the impact of this variant on protein structure and function (internally defined REVEL score threshold 0.5 < inconclusive < 0.7, PMID: 27666373). To our knowledge, functional studies have not been reported for this variant. This variant has not been reported in individuals affected with hereditary cancer in the literature. This variant has not been identified in the general population by the Genome Aggregation Database (gnomAD). The available evidence is insufficient to determine the role of this variant in disease conclusively. Therefore, this variant is classified as a Variant of Uncertain Significance.

This study involves interpretation of variants in research participants for the purpose of population health screening. Participant phenotype was not available at the time of variant classification. Additional details can be found in publication PMID: 35346344, PMCID: PMC8962531

University of Washington Department of Laboratory Medicine, University of Washington
Classification: Likely benign for Hereditary cancer-predisposing syndrome. Last evaluated: 2023-03-23. Review status: criteria provided, single submitter. Criteria: Dines et al. (Genet Med. 2020). Collection method: curation. Allele origin: germline.
Comment: Missense variant in a coldspot region where missense variants are very unlikely to be pathogenic (PMID:31911673).

BRCA1 coldspot (exon 11 using historical exon numbering). Reclassification based on statistical prior probability

Color Diagnostics, LLC DBA Color Health
Classification: Uncertain significance for Hereditary cancer-predisposing syndrome. Last evaluated: 2020-12-17. Review status: criteria provided, single submitter. Criteria: ACMG Guidelines, 2015. Collection method: clinical testing. Allele origin: germline.
Comment: This missense variant replaces threonine with proline at codon 248 of the BRCA1 protein. Computational prediction is inconclusive regarding the impact of this variant on protein structure and function (internally defined REVEL score threshold 0.5 < inconclusive < 0.7, PMID: 27666373). To our knowledge, functional studies have not been reported for this variant. This variant has not been reported in individuals affected with hereditary cancer in the literature. This variant has not been identified in the general population by the Genome Aggregation Database (gnomAD). The available evidence is insufficient to determine the role of this variant in disease conclusively. Therefore, this variant is classified as a Variant of Uncertain Significance.

Quest Diagnostics Nichols Institute San Juan Capistrano
Classification: Uncertain significance for Breast-ovarian cancer, familial, susceptibility to, 1. Last evaluated: 2016-03-11. Review status: criteria provided, single submitter. Criteria: Quest Diagnostics criteria. Collection method: clinical testing. Allele origin: germline. Inheritance: Autosomal dominant inheritance.

Counsyl
Classification: Uncertain significance for Breast-ovarian cancer, familial, susceptibility to, 1. Last evaluated: 2017-02-22. Review status: no assertion criteria provided. Collection method: clinical testing. Allele origin: unknown. Not counted in ClinVar's aggregate classification.

Department of Pathology and Laboratory Medicine, Sinai Health System
Classification: Uncertain significance for Malignant tumor of breast. Review status: no assertion criteria provided. Collection method: clinical testing. Allele origin: unknown. Affected: yes. Observed: 2 variant alleles. Study: The Canadian Open Genetics Repository (COGR). Not counted in ClinVar's aggregate classification.
Comment: The BRCA1 p.Thr248Pro variant was not identified in the literature nor was it identified in the following databases: Cosmic, MutDB, LOVD 3.0, UMD-LSDB, BIC Database, ARUP Laboratories, or Zhejiang Colon Cancer Database. The variant was identified in dbSNP (ID: rs879255288) as "With Uncertain significance allele", as well as the ClinVar and Clinvitae (1x, uncertain significance). The variant was not identified in the control databases: the 1000 Genomes Project, the NHLBI GO Exome Sequencing Project, the Exome Aggregation Consortium (August 8th 2016), or the Genome Aggregation Database (Feb 27, 2017). The p.Thr248 residue is not conserved in mammals and four out of five computational analyses (PolyPhen-2, SIFT, AlignGVGD, BLOSUM, MutationTaster) do not suggest a high likelihood of impact to the protein; however, this information is not predictive enough to rule out pathogenicity. The variant occurs outside of the splicing consensus sequence and in silico or computational prediction software programs (SpliceSiteFinder, MaxEntScan, NNSPLICE, GeneSplicer, HumanSpliceFinder) do not predict a difference in splicing. In summary, based on the above information the clinical significance of this variant cannot be determined with certainty at this time. This variant is classified as a variant of uncertain significance.

Literature cited by the submitters: PubMed 34178674 (cited by Labcorp Genetics (formerly Invitae), Labcorp and Ambry Genetics); PubMed 32885271 (cited by Ambry Genetics); PubMed 26295337 (cited by Quest Diagnostics Nichols Institute San Juan Capistrano).

NM_007294.4(BRCA1):c.742A>C (p.Thr248Pro)

Gene: BRCA1 (BRCA1 DNA repair associated; minus strand). Cytogenetic location: 17q21.31.
Variant type: single nucleotide variant.
Coding change: c.742A>C on transcript NM_007294.4 (MANE Select); coding-DNA position 742, A replaced by C.
Protein change: p.Thr248Pro; replaces threonine 248 with proline.
Molecular consequence: missense variant. On other transcripts: non-coding transcript variant (1).
Genome position (GRCh38, 1-based): chr17:43,094,789, T>G on the plus strand (A>C on the coding strand, the complement: BRCA1 is on the minus strand). VCF-style: chr17-43094789-T-G. GRCh37 (hg19) VCF-style: chr17-41246806-T-G.
Other names: c.598A>C, p.Thr200Pro (NM_001407741.1, NM_001407742.1, NM_001407743.1 and 26 more transcripts); c.601A>C, p.Thr201Pro (NM_001407750.1, NM_001407751.1, NM_001407752.1 and 43 more transcripts); c.529A>C, p.Thr177Pro (NM_001407853.1, NM_001407894.1, NM_001407895.1 and 12 more transcripts); c.742A>C, p.Thr248Pro (NM_001407854.1, NM_001407858.1, NM_001407859.1 and 54 more transcripts); c.739A>C, p.Thr247Pro (NM_001407860.1, NM_001407861.1, NM_001407972.1 and 38 more transcripts); c.541A>C, p.Thr181Pro (NM_001407862.1, NM_001408474.1, NM_001408476.1); c.619A>C, p.Thr207Pro (NM_001407863.1, NM_001407919.1, NM_001407937.1 and 34 more transcripts); c.538A>C, p.Thr180Pro (NM_001407874.1, NM_001407875.1, NM_001408475.1); and 14 more; short protein forms T248P, T201P, T121P, T177P, T222P, T247P, T136P, T200P.
Identifiers: ClinVar variation 252390 (VCV000252390.27), dbSNP rs879255288, ClinGen allele CA10585918.